The following is an entry in ClinVar:

NM_024678.6(NARS2):c.72T>G (p.Pro24=)

Gene: NARS2 (asparaginyl-tRNA synthetase 2, mitochondrial; minus strand). Cytogenetic location: 11q14.1.
Variant type: single nucleotide variant.
Coding change: c.72T>G on transcript NM_024678.6 (MANE Select); coding-DNA position 72, T replaced by G.
Protein change: p.Pro24=; no amino-acid change (proline 24 retained).
Molecular consequence: synonymous variant. On other transcripts: intron variant (1).
Genome position (GRCh38, 1-based): chr11:78,574,417, A>C on the plus strand (T>G on the coding strand, the complement: NARS2 is on the minus strand). VCF-style: chr11-78574417-A-C. GRCh37 (hg19) VCF-style: chr11-78285462-A-C.
Other names: c.-541+412T>G (NM_001243251.2).
Identifiers: ClinVar variation 1205348 (VCV001205348.9), dbSNP rs138923107, ClinGen allele CA6205985.
Genomic context (GRCh38, chr11:78,574,417, plus strand): 5'-AATGCGCTCCCCACTCGCGTTCTGAGCCCCGAGAGCGTCCCGCACGCTCAGTTTGGCTGA[A>C]GGTTTGTGCTTGGGGAAGGGGGCGGAGGAACAGAAGCGCACGGACCGCAGCAGGCAGCGG-3'
Protein context (NP_078954.4, residues 14-34): CSSAPFPKHK[Pro24=]SAKLSVRDAL

ClinVar aggregate classification (germline): Benign/Likely benign. Review status: criteria provided, multiple submitters, no conflicts (2 of 4 stars). 3 submissions from 3 submitters: Benign (1); Likely benign (2). Last evaluated 2026-07-22.

Conditions:
NARS2-related disorder. Also called: NARS2-related condition.

Allele frequency attached by ClinVar (database versions not stated): gnomAD exomes 0.00004 and 0.00008; ExAC 0.00008; gnomAD 0.00019 and 0.00020; TOPMed 0.00029; 1000 Genomes Project 30x 0.00031; 1000 Genomes Project 0.00040.
gnomAD v4.1: 89 of 1,614,162 alleles (0.0055%); highest among the groups gnomAD compares: African/African-American, 0.08%; no homozygotes.

Submissions (3):

PreventionGenetics, part of Exact Sciences
Classification: Likely benign for NARS2-related condition. Last evaluated: 2026-07-22. Review status: criteria provided, single submitter. Criteria: ACMG Guidelines, 2015. Collection method: clinical testing. Allele origin: germline.
Comment: This variant is classified as likely benign based on ACMG/AMP sequence variant interpretation guidelines (Richards et al. 2015 PMID: 25741868, with internal and published modifications).

Labcorp Genetics (formerly Invitae), Labcorp
Classification: Benign. Last evaluated: 2026-01-23. Review status: criteria provided, single submitter. Criteria: Invitae Variant Classification Sherloc (09022015). Collection method: clinical testing. Allele origin: germline.

GeneDx
Classification: Likely benign. Last evaluated: 2021-08-09. Review status: criteria provided, single submitter. Criteria: GeneDx Variant Classification Process June 2021. Collection method: clinical testing. Allele origin: germline. Affected: yes.